The following is an entry in ClinVar:

ClinVar aggregate classification (germline): Uncertain significance (1 of 4 stars; one submission).

Conditions:
Erythrocytosis, familial, 3 (ECYT3). Identifiers: Orphanet 247511, MedGen C1853286, MONDO:0012353, OMIM 609820.

Submission:

Labcorp Genetics (formerly Invitae), Labcorp
Classification: Uncertain significance for Erythrocytosis, familial, 3. Last evaluated: 2019-12-31. Review status: criteria provided, single submitter. Criteria: Invitae Variant Classification Sherloc (09022015). Collection method: clinical testing. Allele origin: germline.
Comment: In summary, the available evidence is currently insufficient to determine the role of this variant in disease. Therefore, it has been classified as a Variant of Uncertain Significance. Algorithms developed to predict the effect of missense changes on protein structure and function are either unavailable or do not agree on the potential impact of this missense change (SIFT: "Deleterious"; PolyPhen-2: "Possibly Damaging"; Align-GVGD: "Class C0"). This variant has not been reported in the literature in individuals with EGLN1-related conditions. The frequency data for this variant in the population databases is considered unreliable, as metrics indicate insufficient coverage at this position in the ExAC database. This sequence change replaces alanine with aspartic acid at codon 118 of the EGLN1 protein (p.Ala118Asp). The alanine residue is weakly conserved and there is a moderate physicochemical difference between alanine and aspartic acid.

NM_022051.3(EGLN1):c.353C>A (p.Ala118Asp)

Gene: EGLN1 (egl-9 family hypoxia inducible factor 1; minus strand). Cytogenetic location: 1q42.2.
Variant type: single nucleotide variant.
Coding change: c.353C>A on transcript NM_022051.3 (MANE Select); coding-DNA position 353, C replaced by A.
Protein change: p.Ala118Asp; replaces alanine 118 with aspartic acid.
Molecular consequence: missense variant.
Genome position (GRCh38, 1-based): chr1:231,421,536, G>T on the plus strand (C>A on the coding strand, the complement: EGLN1 is on the minus strand). VCF-style: chr1-231421536-G-T. GRCh37 (hg19) VCF-style: chr1-231557282-G-T.
Other names: c.353C>A, p.Ala118Asp (NM_001377260.1, NM_001377261.1); short protein forms A118D.
Identifiers: ClinVar variation 844180 (VCV000844180.8), dbSNP rs1357444347, ClinGen allele CA345237516.